The following is an entry in ClinVar:

ClinVar aggregate classification (germline): Likely pathogenic (1 of 4 stars; one submission).

gnomAD v4.1: 14 of 1,614,152 alleles (0.00087%); highest among the groups gnomAD compares: Non-Finnish European, 0.0011%; no homozygotes.

Submission:

Labcorp Genetics (formerly Invitae), Labcorp
Classification: Likely pathogenic. Last evaluated: 2025-10-23. Review status: criteria provided, single submitter. Criteria: Invitae Variant Classification Sherloc (09022015). Collection method: clinical testing. Allele origin: germline.
Comment: This sequence change affects an acceptor splice site in intron 7 of the PNLIP gene. It is expected to disrupt RNA splicing. Variants that disrupt the donor or acceptor splice site typically lead to a loss of protein function (PMID: 16199547), and loss-of-function variants in PNLIP are known to be pathogenic (PMID: 31977950, 35284057). This variant is present in population databases (no rsID available, gnomAD 0.0009%). This variant has not been reported in the literature in individuals affected with PNLIP-related conditions. Algorithms developed to predict the effect of sequence changes on RNA splicing suggest that this variant may disrupt the consensus splice site. In summary, the currently available evidence indicates that the variant is pathogenic, but additional data are needed to prove that conclusively. Therefore, this variant has been classified as Likely Pathogenic.

Literature cited by the submitters: PubMed 16199547; PubMed 31977950; PubMed 35284057.

NM_000936.4(PNLIP):c.692-2A>G

Gene: PNLIP (pancreatic lipase; plus strand). Cytogenetic location: 10q25.3.
Variant type: single nucleotide variant.
Coding change: c.692-2A>G on transcript NM_000936.4 (MANE Select); the canonical splice acceptor site of the intron before coding-DNA position 692, A replaced by G.
Molecular consequence: splice acceptor variant.
Genome position (GRCh38, 1-based): chr10:116,555,386, A>G. VCF-style: chr10-116555386-A-G. GRCh37 (hg19) VCF-style: chr10-118314898-A-G.
Identifiers: ClinVar variation 4753491 (VCV004753491.1).